The following is an entry in ClinVar:

ClinVar aggregate classification (germline): Uncertain significance (1 of 4 stars; one submission).

gnomAD v4.1: 13 of 1,574,176 alleles (0.00083%); highest among the groups gnomAD compares: South Asian, 0.014%; no homozygotes.

Submission:

Ambry Genetics
Classification: Uncertain significance. Last evaluated: 2024-12-06. Review status: criteria provided, single submitter. Criteria: Ambry Variant Classification Scheme 2023. Collection method: clinical testing. Allele origin: germline.
Comment: The p.A147E variant (also known as c.440C>A), located in coding exon 1 of the WNK2 gene, results from a C to A substitution at nucleotide position 440. The alanine at codon 147 is replaced by glutamic acid, an amino acid with dissimilar properties. This amino acid position is conserved. In addition, this alteration is predicted to be tolerated by in silico analysis. Based on the available evidence, the clinical significance of this variant remains unclear.

NM_006648.4(WNK2):c.440C>A (p.Ala147Glu)

Gene: WNK2 (WNK lysine deficient protein kinase 2; plus strand). Cytogenetic location: 9q22.31.
Variant type: single nucleotide variant.
Coding change: c.440C>A on transcript NM_006648.4 (MANE Select); coding-DNA position 440, C replaced by A.
Protein change: p.Ala147Glu; replaces alanine 147 with glutamic acid.
Molecular consequence: missense variant.
Genome position (GRCh38, 1-based): chr9:93,185,369, C>A. VCF-style: chr9-93185369-C-A. GRCh37 (hg19) VCF-style: chr9-95947651-C-A.
Other names: c.440C>A, p.Ala147Glu (NM_001282394.3); short protein forms A147E.
Identifiers: ClinVar variation 3470614 (VCV003470614.1).
Genomic context (GRCh38, chr9:93,185,369, plus strand): 5'-ACCCCATCGCAGCCGCTGTCGAAACCGCGCCTGCCCCCGACGGCGGCCCCAGGGAGGAGG[C>A]GGCGGCGACCGTGAGGAAGGAGGATGAGGGGGCGGCCGAGGCGAAGCCTGAGCCCGGGCG-3'
Protein context (NP_006639.3, residues 137-157): PAPDGGPREE[Ala147Glu]AATVRKEDEG